The following is an entry in ClinVar:

ClinVar aggregate classification (germline): Pathogenic (1 of 4 stars; one submission).

Submission:

Labcorp Genetics (formerly Invitae), Labcorp
Classification: Pathogenic. Last evaluated: 2025-11-03. Review status: criteria provided, single submitter. Criteria: Invitae Variant Classification Sherloc (09022015). Collection method: clinical testing. Allele origin: germline.
Comment: This sequence change creates a premature translational stop signal (p.Glu32*) in the CWC27 gene. It is expected to result in an absent or disrupted protein product. Loss-of-function variants in CWC27 are known to be pathogenic (PMID: 28285769). This variant is not present in population databases (gnomAD no frequency). This variant has not been reported in the literature in individuals affected with CWC27-related conditions. ClinVar contains an entry for this variant (Variation ID: 1454227). For these reasons, this variant has been classified as Pathogenic.

Literature cited by the submitters: PubMed 28285769.

NM_005869.4(CWC27):c.94G>T (p.Glu32Ter)

Gene: CWC27 (CWC27 spliceosome associated cyclophilin; plus strand). Cytogenetic location: 5q12.3.
Variant type: single nucleotide variant.
Coding change: c.94G>T on transcript NM_005869.4 (MANE Select); coding-DNA position 94, G replaced by T.
Protein change: p.Glu32Ter; replaces glutamic acid 32 with a stop codon.
Molecular consequence: nonsense.
Genome position (GRCh38, 1-based): chr5:64,774,742, G>T. VCF-style: chr5-64774742-G-T. GRCh37 (hg19) VCF-style: chr5-64070569-G-T.
Other names: c.94G>T, p.Glu32Ter (NM_001297644.1, NM_001297645.2, NM_001318000.2 and 1 more transcripts); short protein forms E32*.
Identifiers: ClinVar variation 1454227 (VCV001454227.6), dbSNP rs922927440, ClinGen allele CA119817943.